The following is an entry in ClinVar:

NM_032242.4(PLXNA1):c.1729A>G (p.Met577Val)

Gene: PLXNA1 (plexin A1; plus strand). Cytogenetic location: 3q21.3.
Variant type: single nucleotide variant.
Coding change: c.1729A>G on transcript NM_032242.4 (MANE Select); coding-DNA position 1729, A replaced by G.
Protein change: p.Met577Val; replaces methionine 577 with valine.
Molecular consequence: missense variant.
Genome position (GRCh38, 1-based): chr3:127,004,994, A>G. VCF-style: chr3-127004994-A-G. GRCh37 (hg19) VCF-style: chr3-126723837-A-G.
Other names: short protein forms M577V.
Identifiers: ClinVar variation 3351810 (VCV003351810.1).

ClinVar aggregate classification (germline): Uncertain significance (0 of 4 stars; one submission).

Conditions:
PLXNA1-related disorder. Also called: PLXNA1-related condition.

gnomAD v4.1: 11 of 1,609,068 alleles (0.00068%); highest among the groups gnomAD compares: Admixed American, 0.01%; 1 homozygote.

Submission:

PreventionGenetics, part of Exact Sciences
Classification: Uncertain significance for PLXNA1-related condition. Last evaluated: 2024-07-18. Review status: no assertion criteria provided. Collection method: clinical testing. Allele origin: germline.
Comment: The PLXNA1 c.1729A>G variant is predicted to result in the amino acid substitution p.Met577Val. To our knowledge, this variant has not been reported in the literature. This variant is reported in 0.0066% of alleles in individuals of South Asian descent in gnomAD. At this time, the clinical significance of this variant is uncertain due to the absence of conclusive functional and genetic evidence.